The following is an entry in ClinVar:

ClinVar aggregate classification (germline): Uncertain significance (1 of 4 stars; one submission).

Submission:

Dasa
Classification: Uncertain significance. Last evaluated: 2025-07-08. Review status: criteria provided, single submitter. Criteria: DASA Assertion Criteria. Collection method: clinical testing. Allele origin: germline.
Comment: NM_006901.4(MYO9A):c.3282C>G (p.Tyr1094*) is a nonsense variant in MYO9A predicted to introduce a premature termination codon. This variant is absent from population databases. The currently available literature and clinical evidence are not sufficient to establish a definitive association between this variant and the reported condition. Therefore, this variant is classified as a variant of uncertain significance.

NM_006901.4(MYO9A):c.3282C>G (p.Tyr1094Ter)

Gene: MYO9A (myosin IXA; minus strand). Cytogenetic location: 15q23.
Variant type: single nucleotide variant.
Coding change: c.3282C>G on transcript NM_006901.4 (MANE Select); coding-DNA position 3282, C replaced by G.
Protein change: p.Tyr1094Ter; replaces tyrosine 1094 with a stop codon.
Molecular consequence: nonsense.
Genome position (GRCh38, 1-based): chr15:71,899,875, G>C on the plus strand (C>G on the coding strand, the complement: MYO9A is on the minus strand). VCF-style: chr15-71899875-G-C. GRCh37 (hg19) VCF-style: chr15-72192216-G-C.
Other names: short protein forms Y1094*.
Identifiers: ClinVar variation 4885892 (VCV004885892.2).
Genomic context (GRCh38, chr15:71,899,875, plus strand): 5'-GCGCCTATAGTAATCTCTCCATTTCTGCTGGATAACGATGGCTGCAGCCCGTAACTCCAA[G>C]TACCGCTGCCTCTCTAAGTGAGCACGCCAGGAAGCTTGGAGAAGAGCAGCTGCACTAGCC-3'